The following is an entry in ClinVar:

NM_007103.4(NDUFV1):c.1268C>T (p.Thr423Met)

Genes: NDUFV1 (NADH:ubiquinone oxidoreductase core subunit V1; plus strand), LOC126861242 (CDK7 strongly-dependent group 2 enhancer GRCh37_chr11:67379204-67380403; plus strand). Cytogenetic location: 11q13.2.
Variant type: single nucleotide variant.
Coding change: c.1268C>T on transcript NM_007103.4 (MANE Select); coding-DNA position 1268, C replaced by T.
Protein change: p.Thr423Met; replaces threonine 423 with methionine.
Molecular consequence: missense variant.
Genome position (GRCh38, 1-based): chr11:67,612,225, C>T. VCF-style: chr11-67612225-C-T. GRCh37 (hg19) VCF-style: chr11-67379696-C-T.
Other names: p.T423M:ACG>ATG; c.1241C>T, p.Thr414Met (NM_001166102.2); short protein forms T423M, T414M.
Identifiers: ClinVar variation 14056 (VCV000014056.28), dbSNP rs121913659, ClinGen allele CA123735.
Genomic context (GRCh38, chr11:67,612,225, plus strand): 5'-ATGCCCGGCCGGCCGAGATCGACTCCCTGTGGGAGATCAGCAAGCAGATAGAAGGCCATA[C>T]GATTTGTGCTCTGGGTGACGGGGCCGCCTGGCCTGTGCAGGTATTCACCACCCTTCTGCG-3'
Protein context (NP_009034.2, residues 413-433): WEISKQIEGH[Thr423Met]ICALGDGAAW

ClinVar aggregate classification (germline): Pathogenic/Likely pathogenic. Review status: criteria provided, multiple submitters, no conflicts (2 of 4 stars). 15 submissions from 14 submitters: Pathogenic (12); Likely pathogenic (2). 1 of the submissions does not count toward it. Last evaluated 2025-09-10.

Conditions:
Mitochondrial complex I deficiency, nuclear type 1. Also called: NADH-COENZYME Q REDUCTASE DEFICIENCY; MITOCHONDRIAL NADH DEHYDROGENASE COMPONENT OF COMPLEX I, DEFICIENCY OF. Identifiers: MedGen C6022305, MONDO:0100224, OMIM 252010.
Mitochondrial complex I deficiency, nuclear type 4. Also called: Mitochondrial complex 1 deficiency, nuclear type 4. Identifiers: MedGen C4748753, MONDO:0032609, OMIM 618225.
Mitochondrial complex I deficiency. Also called: NADH:Q(1) OXIDOREDUCTASE DEFICIENCY. Identifiers: Orphanet 2609, MedGen C1838979, MeSH C537475, MONDO:0100133.
Leigh syndrome (NULS). Also called: Leigh Disease; Leigh Syndrome (mtDNA deletion); LEIGH SYNDROME, NUCLEAR; Leigh's necrotizing encephalopathy; Leigh's disease; Subacute necrotizing encephalopathy. Identifiers: Orphanet 506, MedGen C2931891, MONDO:0009723, OMIM 256000.

Allele frequency attached by ClinVar (database versions not stated): gnomAD exomes 0.00001 and below 0.00001; gnomAD 0.00003 and 0.00004; TOPMed 0.00001.

Submissions (15):

Genomic Medicine Center of Excellence, King Faisal Specialist Hospital and Research Centre
Classification: Pathogenic for Mitochondrial complex I deficiency, nuclear type 4. Last evaluated: 2025-09-10. Review status: criteria provided, single submitter. Criteria: ACMG Guidelines, 2015. Collection method: clinical testing. Allele origin: germline.

Labcorp Genetics (formerly Invitae), Labcorp
Classification: Pathogenic. Last evaluated: 2025-07-22. Review status: criteria provided, single submitter. Criteria: Invitae Variant Classification Sherloc (09022015). Collection method: clinical testing. Allele origin: germline.
Comment: This sequence change replaces threonine, which is neutral and polar, with methionine, which is neutral and non-polar, at codon 423 of the NDUFV1 protein (p.Thr423Met). This variant is present in population databases (rs121913659, gnomAD 0.003%). This missense change has been observed in individuals with mitochondrial complex I deficiency (PMID: 10080174, 22644603, 30090137, 31665838). It has also been observed to segregate with disease in related individuals. ClinVar contains an entry for this variant (Variation ID: 14056). Invitae Evidence Modeling of protein sequence and biophysical properties (such as structural, functional, and spatial information, amino acid conservation, physicochemical variation, residue mobility, and thermodynamic stability) indicates that this missense variant is expected to disrupt NDUFV1 protein function with a positive predictive value of 95%. For these reasons, this variant has been classified as Pathogenic.

GeneDx
Classification: Pathogenic. Last evaluated: 2025-05-05. Review status: criteria provided, single submitter. Criteria: GeneDx Variant Classification Process June 2021. Collection method: clinical testing. Allele origin: germline. Affected: yes.
Comment: In silico analysis supports that this missense variant has a deleterious effect on protein structure/function; Not observed at a significant frequency in large population cohorts (gnomAD); This variant is associated with the following publications: (PMID: 17383918, 19041632, 17289351, 18435906, 18353897, 29948731, 30090137, 11579423, 20153825, 11181577, 16120313, 34807224, 31665838, 10080174, 21696386, 17600689, 10649489, 19703648, 19255735, 15901599, 18295330, 10330338, 29395179, 24704045, 11112787, 14662656, 16213125, 24524415, 30429455, 15981016, 22033105, 10862082, 10885663, 23631824, 22142868, 30055843, 26345448, 31216405, 33083013)

Laboratorio de Genetica e Diagnostico Molecular, Hospital Israelita Albert Einstein
Classification: Pathogenic for Mitochondrial complex I deficiency, nuclear type 4. Last evaluated: 2024-09-27. Review status: criteria provided, single submitter. Criteria: ACMG Guidelines, 2015. Collection method: clinical testing. Allele origin: germline. Affected: yes.
Comment: ACMG classification criteria: PS3 supporting, PM2 supporting, PM3 very strong, PP1 supporting, PP3 supporting

ARUP Laboratories, Molecular Genetics and Genomics, ARUP Laboratories
Classification: Pathogenic for Mitochondrial complex I deficiency, nuclear type 4. Last evaluated: 2023-12-19. Review status: criteria provided, single submitter. Criteria: ARUP Molecular Germline Variant Investigation Process 2024. Collection method: clinical testing. Allele origin: germline.
Comment: The NDUFV1 c.1268C>T; p.Thr423Met variant (rs121913659, ClinVar Variation ID: 14056) has been reported homozygous and compound heterozygous in the literature in multiple individuals with mitochondrial complex I deficiency (Liu 2019, Schuelke 1999, Zanette 2021). This variant is only observed on three alleles in the Genome Aggregation Database (v2.1.1), indicating it is not a common polymorphism. Computational analyses predict that this variant is deleterious (REVEL: 0.859). One study found this variant protein to have strongly impaired enzyme function (Varghese 2015). Based on available information this variant is considered to be pathogenic. REFERENCES Liu P et al. Reanalysis of Clinical Exome Sequencing Data. N Engl J Med. 2019 Jun 20;380(25):2478-2480. PMID: 31216405. Schuelke M et al. Mutant NDUFV1 subunit of mitochondrial complex I causes leukodystrophy and myoclonic epilepsy. Nat Genet. 1999 Mar;21(3):260-1. PMID: 10080174. Varghese F et al. Characterization of clinically identified mutations in NDUFV1, the flavin-binding subunit of respiratory complex I, using a yeast model system. Hum Mol Genet. 2015 Nov 15;24(22):6350-60. PMID: 26345448. Zanette V et al. NDUFV1 mutations in complex I deficiency: Case reports and review of symptoms. Genet Mol Biol. 2021 Nov 19;44(4):e20210149. PMID: 34807224.

Women's Health and Genetics/Laboratory Corporation of America, LabCorp
Classification: Pathogenic for Leigh syndrome. Last evaluated: 2022-11-28. Review status: criteria provided, single submitter. Criteria: LabCorp Variant Classification Summary - May 2015. Collection method: clinical testing. Allele origin: germline.
Comment: Variant summary: NDUFV1 c.1268C>T (p.Thr423Met) results in a non-conservative amino acid change located in the NADH-ubiquinone oxidoreductase 51kDa subunit, iron-sulphur binding domain (IPR019575) of the encoded protein sequence. Five of five in-silico tools predict a damaging effect of the variant on protein function. The variant allele was found at a frequency of 1.2e-05 in 251318 control chromosomes. c.1268C>T has been reported in the literature as biallelic compound heterozygous or homozygous genotypes in multiple individuals affected with Leigh Syndrome (example, PMID 33083013, 34716721, 10080174). These data indicate that the variant is very likely to be associated with disease. At least one publication reports experimental evidence evaluating an impact on protein function (example, PMID 26345448). The most pronounced variant effect results in absence of detectable complex I in an apparently homozygous (by cDNA sequencing), but compound heterozygous genotype due to a nonsense variant on the other allele that was not expressed. Eight clinical diagnostic laboratories have submitted clinical-significance assessments for this variant to ClinVar after 2014 without evidence for independent evaluation. All laboratories classified the variant as pathogenic/likely pathogenic. Based on the evidence outlined above, the variant was classified as pathogenic.

Dasa
Classification: Pathogenic for Mitochondrial complex I deficiency, nuclear type 4. Last evaluated: 2022-06-10. Review status: criteria provided, single submitter. Criteria: ACMG Guidelines, 2015. Collection method: clinical testing. Allele origin: germline. Affected: yes. Observed: 1 variant allele.
Comment: The c.1268C>T;p.(Thr423Met) missense change has been observed in affected individual(s) and ClinVar contains an entry for this variant (ClinVar ID: 14056 ; PMID: 30090137; 10080174) - PS4.Well-established in vitro or in vivo functional studies supportive of a damaging effect on the gene or gene product (PMID: 26345448) - PS3_supporting. The variant is present at low allele frequencies population databases (rs121913659– gnomAD 0.0003295%; ABraOM no frequency) -PM2_supporting. The p.(Thr423Met) was detected in trans with a Pathogenic variant (PMID: 30090137; 10080174) and found as compound heterozygous with another variant classified as Pathogenic (knowing the phase of each variant), in the analyzed case - PM3_strong. The variant co-segregated with disease in multiple affected family members (PMID: 10080174) - PP1. In summary, the currently available evidence indicates that the variant is Pathogenic

3billion
Classification: Pathogenic for Mitochondrial complex I deficiency, nuclear type 4. Last evaluated: 2022-01-03. Review status: criteria provided, single submitter. Criteria: ACMG Guidelines, 2015. Collection method: clinical testing. Allele origin: germline. Affected: yes. Observed: 1 homozygote.
Comment: Same nucleotide change resulting in same amino acid change has been previously reported as pathogenic/likely pathogenic with strong evidence (ClinVar ID: VCV000014056, PMID:10080174, PS1_S). Functional studies provide moderate evidence of the variant having a damaging effect on the gene or gene product(PMID: 14662656, PS3_M).The variant has been reported to be in trans with a pathogenic variant as either compound heterozygous or homozygous in at least one similarly affected unrelated individual (PMID: 10080174, PM3_M). and co-segregated with Mitochondrial complex I deficiency, nuclear type 4 in multiple affected family members (PMID: 10080174, PP1_P). In silico tool predictions suggest damaging effect of the variant on gene or gene product (REVEL: 0.859, PP3_P). A missense variant is a common mechanism associated with Mitochondrial complex I deficiency (PP2_P). It is observed at an extremely low frequency in the gnomAD v2.1.1 dataset (total allele frequency: 0.000012, PM2_M). Therefore, this variant is classified as pathogenic according to the recommendation of ACMG/AMP guideline.

Institute of Human Genetics Munich, TUM University Hospital
Classification: Pathogenic for Mitochondrial complex I deficiency, nuclear type 4. Last evaluated: 2019-08-07. Review status: criteria provided, single submitter. Criteria: Classification criteria August 2017. Collection method: clinical testing. Allele origin: germline. Inheritance: Autosomal recessive inheritance. Affected: yes. Observed: 1 compound heterozygote.

Fulgent Genetics
Classification: Likely pathogenic for Mitochondrial complex I deficiency, nuclear type 1. Last evaluated: 2018-10-31. Review status: criteria provided, single submitter. Criteria: ACMG Guidelines, 2015. Collection method: clinical testing. Allele origin: unknown.

Baylor Genetics
Classification: Pathogenic for Mitochondrial complex I deficiency, nuclear type 1. Last evaluated: 2017-12-31. Review status: criteria provided, single submitter. Criteria: ACMG Guidelines, 2015. Collection method: clinical testing. Allele origin: germline. Affected: yes.

Fulgent Genetics
Classification: Likely pathogenic for Mitochondrial complex I deficiency, nuclear type 1. Last evaluated: 2017-05-18. Review status: criteria provided, single submitter. Criteria: ACMG Guidelines, 2015. Collection method: clinical testing. Allele origin: unknown.

Courtagen Diagnostics Laboratory, Courtagen Life Sciences
Classification: Pathogenic for Mitochondrial complex I deficiency. Last evaluated: 2014-01-08. Review status: criteria provided, single submitter. Criteria: Courtagen Life Sciences Classifications. Collection method: clinical testing. Allele origin: maternal. Affected: yes.

CENTOGENE GmbH and LLC - Guiding Precision Medicine
Classification: Pathogenic for Mitochondrial complex I deficiency nuclear type 4. Review status: criteria provided, single submitter. Criteria: ACMG Guidelines, 2015. Collection method: clinical testing. Allele origin: germline. Affected: yes.

OMIM
Classification: Pathogenic for MITOCHONDRIAL COMPLEX I DEFICIENCY, NUCLEAR TYPE 4. Last evaluated: 1999-03-01. Review status: no assertion criteria provided. Collection method: literature only. Allele origin: germline. Not counted in ClinVar's aggregate classification.

Literature cited by the submitters: PubMed 10080174 (cited by 6 submitters); PubMed 22644603 (cited by Labcorp Genetics (formerly Invitae), Labcorp); PubMed 30090137 (cited by Labcorp Genetics (formerly Invitae), Labcorp and Dasa); PubMed 31665838 (cited by Labcorp Genetics (formerly Invitae), Labcorp); PubMed 26345448 (cited by 4 submitters); PubMed 33083013 (cited by Women's Health and Genetics/Laboratory Corporation of America, LabCorp); PubMed 34716721 (cited by Women's Health and Genetics/Laboratory Corporation of America, LabCorp); PubMed 14662656 (cited by 3billion).